The following is an entry in ClinVar:

ClinVar aggregate classification (germline): Pathogenic. Review status: criteria provided, multiple submitters, no conflicts (2 of 4 stars). 2 submissions from 2 submitters: Pathogenic (2). Last evaluated 2025-07-09.

Conditions:
Sotos syndrome (SOTOS). Also called: CEREBRAL GIGANTISM; Sotos' syndrome; Distinctive facial appearance, overgrowth in childhood, and learning disabilities or delayed development; CHROMOSOME 5q35 DELETION SYNDROME; SOTOS SYNDROME 1. Identifiers: Orphanet 821, MedGen C0175695, MONDO:0019349, OMIM 117550.

Submissions (2):

3billion
Classification: Pathogenic for Sotos syndrome. Last evaluated: 2025-07-09. Review status: criteria provided, single submitter. Criteria: ACMG Guidelines, 2015. Collection method: clinical testing. Allele origin: germline. Affected: yes.
Comment: The variant is not observed in the gnomAD v4.1.0 dataset. Predicted Consequence/Location: Frameshift: predicted to result in a loss or disruption of normal protein function through nonsense-mediated decay (NMD) or protein truncation. Multiple pathogenic variants are reported downstream of the variant. In silico tools predict the variant to alter splicing and produce an abnormal transcript [SpliceAI: 1.00 (spliceogenicity >=0.2, non-spliceogenicity <0.1)]. The variant has been reported to be associated with NSD1-related disorder (ClinVar ID: VCV000418679 /PMID: 37066965). Therefore, this variant is classified as Pathogenic according to the recommendation of ACMG/AMP guideline.

GeneDx
Classification: Pathogenic. Last evaluated: 2015-03-26. Review status: criteria provided, single submitter. Criteria: GeneDx Variant Classification (06012015). Collection method: clinical testing. Allele origin: germline. Affected: yes.
Comment: The c.5892+1delG deletion in the NSD1 gene has not been reported previously as a pathogenic variant nor as a benign polymorphism, to our knowledge. This splice site variant destroys the canonicalsplice donor site in intron 18. It is predicted to cause abnormal gene splicing, either leading to an abnormalmessage that is subject to nonsense-mediated mRNA decay, or to an abnormal protein product if themessage is used for protein translation. The c.5892+1delG deletion was not observed in approximately6,500 individuals of European and African American ancestry in the NHLBI Exome Sequencing Project,indicating it is not a common benign variant in these populations. We interpret c.5892+1delG as a pathogenic variant.

Literature cited by the submitters: PubMed 37066965 (cited by 3billion).

NM_022455.5(NSD1):c.5892+1del

Gene: NSD1 (nuclear receptor binding SET domain protein 1; plus strand). Cytogenetic location: 5q35.3.
Variant type: Deletion.
Coding change: c.5892+1del on transcript NM_022455.5 (MANE Select); the canonical splice donor site of the intron after coding-DNA position 5892, one base deleted (G; older notation c.5892+1delG).
Molecular consequence: splice donor variant.
Genome position (GRCh38, 1-based): chr5:177,280,835, G deleted; the last of 2 consecutive G bases (chr5:177,280,834-177,280,835); deleting either gives the same sequence. VCF-style (leftmost placement, unchanged base first): chr5-177280833-AG-A. GRCh37 (hg19) VCF-style: chr5-176707834-AG-A.
Other names: c.5892+1del (NM_001409301.1, NM_001409302.1, NM_001409303.1); c.5472+1del (NM_001409304.1); c.5139+1del (NM_001409305.1); c.5130+1del (NM_001409306.1, NM_001409307.1); c.5019+1del (NM_001409308.1, NM_172349.5, NM_001409309.1 and 1 more transcripts); c.5892+1delG (NM_022455.4).
Identifiers: ClinVar variation 418679 (VCV000418679.3), dbSNP rs1064793361, ClinGen allele CA16618183.